The following is an entry in ClinVar:

NM_000257.4(MYH7):c.995C>T (p.Thr332Ile)

Gene: MYH7 (myosin heavy chain 7; minus strand). Cytogenetic location: 14q11.2.
Variant type: single nucleotide variant.
Coding change: c.995C>T on transcript NM_000257.4 (MANE Select); coding-DNA position 995, C replaced by T.
Protein change: p.Thr332Ile; replaces threonine 332 with isoleucine.
Molecular consequence: missense variant.
Genome position (GRCh38, 1-based): chr14:23,430,564, G>A on the plus strand (C>T on the coding strand, the complement: MYH7 is on the minus strand). VCF-style: chr14-23430564-G-A. GRCh37 (hg19) VCF-style: chr14-23899773-G-A.
Other names: c.995C>T, p.Thr332Ile (NM_001407004.1); short protein forms T332I.
Identifiers: ClinVar variation 1719296 (VCV001719296.5), dbSNP rs2502308301, ClinGen allele CA389051592.

ClinVar aggregate classification (germline): Uncertain significance (1 of 4 stars; one submission).

Conditions:
Hypertrophic cardiomyopathy. Also called: HYPERTROPHIC MYOCARDIOPATHY. Identifiers: Orphanet 217569, MedGen C0007194, MeSH D002312, MONDO:0005045, HP:0001639.

Submission:

Labcorp Genetics (formerly Invitae), Labcorp
Classification: Uncertain significance for Hypertrophic cardiomyopathy. Last evaluated: 2024-10-10. Review status: criteria provided, single submitter. Criteria: Invitae Variant Classification Sherloc (09022015). Collection method: clinical testing. Allele origin: germline.
Comment: This sequence change replaces threonine, which is neutral and polar, with isoleucine, which is neutral and non-polar, at codon 332 of the MYH7 protein (p.Thr332Ile). This variant is not present in population databases (gnomAD no frequency). This variant has not been reported in the literature in individuals affected with MYH7-related conditions. ClinVar contains an entry for this variant (Variation ID: 1719296). Invitae Evidence Modeling of protein sequence and biophysical properties (such as structural, functional, and spatial information, amino acid conservation, physicochemical variation, residue mobility, and thermodynamic stability) indicates that this missense variant is expected to disrupt MYH7 protein function with a positive predictive value of 95%. This variant is found within a region of MYH7 between codons 181 and 937 that contains the majority of the myosin head domain. Missense variants in this region have been shown to be significantly overrepresented in individuals with hypertrophic cardiomyopathy (PMID: 27532257). In summary, the available evidence is currently insufficient to determine the role of this variant in disease. Therefore, it has been classified as a Variant of Uncertain Significance.

Literature cited by the submitters: PubMed 27532257.